The following is an entry in ClinVar:

ClinVar aggregate classification (germline): Uncertain significance (1 of 4 stars; one submission).

Allele frequency attached by ClinVar (database versions not stated): ExAC 0.00001.
gnomAD v4.1: 3 of 1,613,220 alleles (0.00019%); highest among the groups gnomAD compares: Non-Finnish European, 0.00025%; no homozygotes.

Submission:

Labcorp Genetics (formerly Invitae), Labcorp
Classification: Uncertain significance. Last evaluated: 2026-01-14. Review status: criteria provided, single submitter. Criteria: Invitae Variant Classification Sherloc (09022015). Collection method: clinical testing. Allele origin: germline.
Comment: This sequence change replaces proline, which is neutral and non-polar, with serine, which is neutral and polar, at codon 890 of the RAI1 protein (p.Pro890Ser). This variant is present in population databases (rs778539478, gnomAD 0.0009%). This variant has not been reported in the literature in individuals affected with RAI1-related conditions. ClinVar contains an entry for this variant (Variation ID: 2122252). Invitae Evidence Modeling of protein sequence and biophysical properties (such as structural, functional, and spatial information, amino acid conservation, physicochemical variation, residue mobility, and thermodynamic stability) indicates that this missense variant is not expected to disrupt RAI1 protein function with a negative predictive value of 80%. In summary, the available evidence is currently insufficient to determine the role of this variant in disease. Therefore, it has been classified as a Variant of Uncertain Significance.

NM_030665.4(RAI1):c.2668C>T (p.Pro890Ser)

Gene: RAI1 (retinoic acid induced 1; plus strand). Cytogenetic location: 17p11.2.
Variant type: single nucleotide variant.
Coding change: c.2668C>T on transcript NM_030665.4 (MANE Select); coding-DNA position 2668, C replaced by T.
Protein change: p.Pro890Ser; replaces proline 890 with serine.
Molecular consequence: missense variant.
Genome position (GRCh38, 1-based): chr17:17,795,616, C>T. VCF-style: chr17-17795616-C-T. GRCh37 (hg19) VCF-style: chr17-17698930-C-T.
Other names: short protein forms P890S.
Identifiers: ClinVar variation 2122252 (VCV002122252.4), dbSNP rs778539478, ClinGen allele CA8418576.